The following is an entry in ClinVar:

NM_000051.4(ATM):c.3853_3854delinsAT (p.Asp1285Ile)

Gene: ATM (ATM serine/threonine kinase; plus strand). Cytogenetic location: 11q22.3.
Variant type: Indel.
Coding change: c.3853_3854delinsAT on transcript NM_000051.4 (MANE Select); coding-DNA positions 3853 to 3854, GA replaced by AT.
Protein change: p.Asp1285Ile; replaces aspartic acid 1285 with isoleucine.
Molecular consequence: missense variant.
Genome position (GRCh38, 1-based): chr11:108,284,333-108,284,334, GA replaced by AT. VCF-style: chr11-108284333-GA-AT. GRCh37 (hg19) VCF-style: chr11-108155060-GA-AT.
Other names: c.3853_3854delinsAT, p.Asp1285Ile (NM_001351834.2); short protein forms D1285I.
Identifiers: ClinVar variation 1721016 (VCV001721016.5), dbSNP rs2546886804, ClinGen allele CA2580083287.

ClinVar aggregate classification (germline): Uncertain significance (1 of 4 stars; one submission).

Conditions:
Ataxia-telangiectasia syndrome (AT). Also called: Ataxia-telangiectasia, complementation group D; Ataxia telangiectasia (A-T); ATAXIA-TELANGIECTASIA, COMPLEMENTATION GROUP A; LOUIS-BAR SYNDROME; Cerebello-oculocutaneous telangiectasia; Immunodeficiency with ataxia telangiectasia. Identifiers: Orphanet 100, MedGen C0004135, MONDO:0008840, OMIM 208900.

Submission:

Labcorp Genetics (formerly Invitae), Labcorp
Classification: Uncertain significance for Ataxia-telangiectasia syndrome. Last evaluated: 2022-10-05. Review status: criteria provided, single submitter. Criteria: Invitae Variant Classification Sherloc (09022015). Collection method: clinical testing. Allele origin: germline.
Comment: In summary, the available evidence is currently insufficient to determine the role of this variant in disease. Therefore, it has been classified as a Variant of Uncertain Significance. Algorithms developed to predict the effect of missense changes on protein structure and function are either unavailable or do not agree on the potential impact of this missense change (SIFT: "Not Available"; PolyPhen-2: "Benign"; Align-GVGD: "Not Available"). This variant has not been reported in the literature in individuals affected with ATM-related conditions. Information on the frequency of this variant in the gnomAD database is not available, as this variant may be reported differently in the database. This sequence change replaces aspartic acid, which is acidic and polar, with isoleucine, which is neutral and non-polar, at codon 1285 of the ATM protein (p.Asp1285Ile).